The following is an entry in ClinVar:

ClinVar aggregate classification (germline): Uncertain significance (1 of 4 stars; one submission).

Conditions:
Hereditary cancer-predisposing syndrome. Also called: Neoplastic Syndromes, Hereditary; Tumor predisposition; Hereditary Cancer Syndrome; Hereditary neoplastic syndrome. Identifiers: Orphanet 140162, MedGen C0027672, MeSH D009386, MONDO:0015356.

Submission:

Ambry Genetics
Classification: Uncertain significance for Hereditary cancer-predisposing syndrome. Last evaluated: 2026-03-30. Review status: criteria provided, single submitter. Criteria: Ambry Variant Classification Scheme 2023. Collection method: clinical testing. Allele origin: germline.
Comment: The p.S1436Y variant (also known as c.4307C>A), located in coding exon 11 of the BRCA1 gene, results from a C to A substitution at nucleotide position 4307. The serine at codon 1436 is replaced by tyrosine, an amino acid with dissimilar properties. This amino acid position is conserved. In addition, the in silico prediction for this alteration is inconclusive. Based on the available evidence, the clinical significance of this variant remains unclear.

NM_007294.4(BRCA1):c.4307C>A (p.Ser1436Tyr)

Gene: BRCA1 (BRCA1 DNA repair associated; minus strand). Cytogenetic location: 17q21.31.
Variant type: single nucleotide variant.
Coding change: c.4307C>A on transcript NM_007294.4 (MANE Select); coding-DNA position 4307, C replaced by A.
Protein change: p.Ser1436Tyr; replaces serine 1436 with tyrosine.
Molecular consequence: missense variant.
Genome position (GRCh38, 1-based): chr17:43,082,454, G>T on the plus strand (C>A on the coding strand, the complement: BRCA1 is on the minus strand). VCF-style: chr17-43082454-G-T. GRCh37 (hg19) VCF-style: chr17-41234471-G-T.
Other names: c.995C>A, p.Ser332Tyr (NM_001407992.1, NM_001408392.1, NM_001408396.1 and 18 more transcripts); c.998C>A, p.Ser333Tyr (NM_001407993.1, NM_001407970.1, NM_001407971.1 and 8 more transcripts); c.992C>A, p.Ser331Tyr (NM_001408400.1, NM_001408401.1, NM_001408402.1 and 1 more transcripts); c.1703C>A, p.Ser568Tyr (NM_001407968.1); c.1700C>A, p.Ser567Tyr (NM_001407969.1); c.4307C>A, p.Ser1436Tyr (NM_001407582.1, NM_001407583.1, NM_001407585.1 and 23 more transcripts); c.4304C>A, p.Ser1435Tyr (NM_001407587.1, NM_001407590.1, NM_001407591.1 and 21 more transcripts); c.4301C>A, p.Ser1434Tyr (NM_001407627.1, NM_001407628.1, NM_001407629.1 and 5 more transcripts); and 51 more; short protein forms S1140Y, S1267Y, S1308Y, S1309Y, S1323Y, S1324Y, S1325Y, S1346Y.
Identifiers: ClinVar variation 4867706 (VCV004867706.1).